The following is an entry in ClinVar:

ClinVar aggregate classification (germline): Uncertain significance (1 of 4 stars; one submission).

gnomAD v4.1: 1 of 1,191,790 alleles (0.000084%); highest among the groups gnomAD compares: Non-Finnish European, 0.00011%; no homozygotes.

Submission:

GeneDx
Classification: Uncertain significance. Last evaluated: 2026-02-24. Review status: criteria provided, single submitter. Criteria: GeneDx Variant Classification Process June 2021. Collection method: clinical testing. Allele origin: germline.
Comment: Not observed at significant frequency in large population cohorts (gnomAD); In silico analysis supports that this missense variant has a deleterious effect on protein structure/function; Has not been previously published as pathogenic or benign to our knowledge

NM_001039591.3(USP9X):c.4205A>T (p.Asn1402Ile)

Gene: USP9X (ubiquitin specific peptidase 9 X-linked; plus strand). Cytogenetic location: Xp11.4.
Variant type: single nucleotide variant.
Coding change: c.4205A>T on transcript NM_001039591.3 (MANE Select); coding-DNA position 4205, A replaced by T.
Protein change: p.Asn1402Ile; replaces asparagine 1402 with isoleucine.
Molecular consequence: missense variant.
Genome position (GRCh38, 1-based): chrX:41,196,710, A>T. VCF-style: chrX-41196710-A-T. GRCh37 (hg19) VCF-style: chrX-41055963-A-T.
Other names: c.4205A>T, p.Asn1402Ile (NM_001039590.3); c.4220A>T, p.Asn1407Ile (NM_001410748.1, NM_001410749.1, NM_001437534.1); short protein forms N1407I, N1402I.
Identifiers: ClinVar variation 5007989 (VCV005007989.1).
Genomic context (GRCh38, chrX:41,196,710, plus strand): 5'-TTCTTAATTACGCTTACAATAGTAATATTAATGTACCCAATGCTGAAGTTCTTCTCAATA[A>T]TGAAATTGATTGGCTTAAAAGAATTAGGGTAAGTTTTAGTTAATACTCCATTTATATGTC-3'
Protein context (NP_001034680.2, residues 1392-1412): NVPNAEVLLN[Asn1402Ile]EIDWLKRIRD